The following is an entry in ClinVar:

ClinVar aggregate classification (germline): Likely benign. Review status: criteria provided, single submitter (1 of 4 stars). 2 submissions from 2 submitters: Likely benign (1). 1 of the submissions does not count toward it. Last evaluated 2023-09-20.

Conditions:
Cohen syndrome (COH1). Also called: Cutis verticis gyrata, retinitis pigmentosa, and sensorineural deafness; PEPPER SYNDROME. Identifiers: Orphanet 193, MedGen C0265223, MONDO:0008999, OMIM 216550.
VPS13B-related disorder. Also called: VPS13B-related condition.

Allele frequency attached by ClinVar (database versions not stated): gnomAD exomes below 0.00001; TOPMed 0.00001.
gnomAD v4.1: 2 of 1,613,864 alleles (0.00012%); highest among the groups gnomAD compares: Admixed American, 0.0033%; no homozygotes.

Submissions (2):

Labcorp Genetics (formerly Invitae), Labcorp
Classification: Likely benign for Cohen syndrome. Last evaluated: 2023-09-20. Review status: criteria provided, single submitter. Criteria: Invitae Variant Classification Sherloc (09022015). Collection method: clinical testing. Allele origin: germline.

PreventionGenetics, part of Exact Sciences
Classification: Likely benign for VPS13B-related condition. Last evaluated: 2021-09-09. Review status: no assertion criteria provided. Collection method: clinical testing. Allele origin: germline. Not counted in ClinVar's aggregate classification.
Comment: This variant is classified as likely benign based on ACMG/AMP sequence variant interpretation guidelines (Richards et al. 2015 PMID: 25741868, with internal and published modifications).

NM_152564.5(VPS13B):c.9057T>C (p.Ile3019=)

Gene: VPS13B (vacuolar protein sorting 13 homolog B; plus strand). Cytogenetic location: 8q22.2.
Variant type: single nucleotide variant.
Coding change: c.9057T>C on transcript NM_152564.5 (MANE Select); coding-DNA position 9057, T replaced by C.
Protein change: p.Ile3019=; no amino-acid change (isoleucine 3019 retained).
Molecular consequence: synonymous variant.
Genome position (GRCh38, 1-based): chr8:99,821,356, T>C. VCF-style: chr8-99821356-T-C. GRCh37 (hg19) VCF-style: chr8-100833584-T-C.
Other names: c.9057T>C (NM_152564.4); c.9132T>C, p.Ile3044= (NM_017890.5).
Identifiers: ClinVar variation 1632754 (VCV001632754.9), dbSNP rs1338076915, ClinGen allele CA462339942.